The following is an entry in ClinVar:

ClinVar aggregate classification (germline): Uncertain significance. Review status: criteria provided, multiple submitters, no conflicts (2 of 4 stars). 2 submissions from 2 submitters: Uncertain significance (2). Last evaluated 2024-08-30.

Conditions:
Hereditary cancer-predisposing syndrome. Also called: Hereditary Cancer Syndrome; Hereditary neoplastic syndrome; Neoplastic Syndromes, Hereditary; Tumor predisposition. Identifiers: Orphanet 140162, MedGen C0027672, MeSH D009386, MONDO:0015356.
Lymphangiomyomatosis (LAM). Also called: Lymphangioleiomyomatosis; Lymphangioleiomyomatosis, somatic. Identifiers: Orphanet 538, MedGen C0751674, MONDO:0011705, OMIM 606690.
Tuberous sclerosis 2 (TSC2). Identifiers: Orphanet 805, MedGen C1860707, MONDO:0013199, OMIM 613254.
Isolated focal cortical dysplasia type II (FCORD2). Also called: CORTICAL DYSPLASIA OF TAYLOR; Focal cortical dysplasia type II. Identifiers: Orphanet 268994, MedGen C1846385, MONDO:0011818, OMIM 607341, HP:0032051.

Submissions (2):

Ambry Genetics
Classification: Uncertain significance for Hereditary cancer-predisposing syndrome. Last evaluated: 2024-08-30. Review status: criteria provided, single submitter. Criteria: Ambry Variant Classification Scheme 2023. Collection method: clinical testing. Allele origin: germline.
Comment: The p.P952L variant (also known as c.2855C>T), located in coding exon 25 of the TSC2 gene, results from a C to T substitution at nucleotide position 2855. The proline at codon 952 is replaced by leucine, an amino acid with similar properties. This amino acid position is conserved. In addition, the in silico prediction for this alteration is inconclusive. Based on the available evidence, the clinical significance of this variant remains unclear.

Fulgent Genetics
Classification: Uncertain significance for Lymphangiomyomatosis; Isolated focal cortical dysplasia type II; Tuberous sclerosis 2. Last evaluated: 2024-06-19. Review status: criteria provided, single submitter. Criteria: ACMG Guidelines, 2015. Collection method: clinical testing. Allele origin: germline.

NM_000548.5(TSC2):c.2855C>T (p.Pro952Leu)

Gene: TSC2 (TSC complex subunit 2; plus strand). Cytogenetic location: 16p13.3.
Variant type: single nucleotide variant.
Coding change: c.2855C>T on transcript NM_000548.5 (MANE Select); coding-DNA position 2855, C replaced by T.
Protein change: p.Pro952Leu; replaces proline 952 with leucine.
Molecular consequence: missense variant. On other transcripts: intron variant (31).
Genome position (GRCh38, 1-based): chr16:2,077,615, C>T. VCF-style: chr16-2077615-C-T. GRCh37 (hg19) VCF-style: chr16-2127616-C-T.
Other names: c.2837+1030C>T (NM_001370404.1, NM_001077183.3, NM_021055.3 and 3 more transcripts); c.1493+1030C>T (NM_001406694.1, NM_001406695.1, NM_001406696.1 and 5 more transcripts); c.2825+1030C>T (NM_001406671.1, NM_001406673.1); c.2375+1030C>T (NM_001406681.1); c.2726+1030C>T (NM_001318827.2, NM_001406678.1); c.2237+1030C>T (NM_001406685.1, NM_001318831.2, NM_001406688.1 and 2 more transcripts); c.2780+1030C>T (NM_001406677.1); c.2690+1030C>T (NM_001318829.2, NM_001406679.1); and 8 more; short protein forms P915L, P903L, P504L, P752L, P952L.
Identifiers: ClinVar variation 3462552 (VCV003462552.2).
Genomic context (GRCh38, chr16:2,077,615, plus strand): 5'-GCTGGGCTCTCTGGGGCGTTGGGGCTCCTTCCTCACCCGATAGTCTGAGGATAGCCAGAC[C>T]CCCCAAACAAGGCTTGAATAACTCTCCACCCGTGAAAGAATTCAAGGAGAGCTCTGCAGC-3'
Protein context (NP_000539.2, residues 942-962): ERPKSLRIAR[Pro952Leu]PKQGLNNSPP